The following is an entry in ClinVar:

ClinVar aggregate classification (germline): Conflicting classifications of pathogenicity. Review status: criteria provided, conflicting classifications (1 of 4 stars). 2 submissions from 2 submitters: Uncertain significance (1); Likely benign (1). Last evaluated 2025-11-10.

Conditions:
Landau-Kleffner syndrome (FESD). Also called: APHASIA, ACQUIRED, WITH EPILEPSY; EPILEPSY, FOCAL, WITH SPEECH DISORDER AND WITH OR WITHOUT MENTAL RETARDATION. Identifiers: Orphanet 1945, Orphanet 725, Orphanet 98818, MedGen C0282512, MONDO:0009509, OMIM 245570.

gnomAD v4.1: 1 of 1,614,224 alleles (0.000062%); no homozygotes.

Submissions (2):

Labcorp Genetics (formerly Invitae), Labcorp
Classification: Likely benign for Landau-Kleffner syndrome. Last evaluated: 2025-11-10. Review status: criteria provided, single submitter. Criteria: Invitae Variant Classification Sherloc (09022015). Collection method: clinical testing. Allele origin: germline.

GeneDx
Classification: Uncertain significance. Last evaluated: 2024-05-14. Review status: criteria provided, single submitter. Criteria: GeneDx Variant Classification Process June 2021. Collection method: clinical testing. Allele origin: germline. Affected: yes.
Comment: Not observed at significant frequency in large population cohorts (gnomAD); In silico analysis supports that this missense variant has a deleterious effect on protein structure/function; Has not been previously published as pathogenic or benign to our knowledge

NM_001134407.3(GRIN2A):c.280C>G (p.Arg94Gly)

Gene: GRIN2A (glutamate ionotropic receptor NMDA type subunit 2A; minus strand). Cytogenetic location: 16p13.2.
Variant type: single nucleotide variant.
Coding change: c.280C>G on transcript NM_001134407.3 (MANE Select); coding-DNA position 280, C replaced by G.
Protein change: p.Arg94Gly; replaces arginine 94 with glycine.
Molecular consequence: missense variant.
Genome position (GRCh38, 1-based): chr16:10,180,132, G>C on the plus strand (C>G on the coding strand, the complement: GRIN2A is on the minus strand). VCF-style: chr16-10180132-G-C. GRCh37 (hg19) VCF-style: chr16-10273989-G-C.
Other names: c.280C>G (NM_000833.3); c.280C>G, p.Arg94Gly (NM_000833.5, NM_001134408.2); short protein forms R94G.
Identifiers: ClinVar variation 833714 (VCV000833714.11), dbSNP rs1282664179, ClinGen allele CA394715362.